The following is an entry in ClinVar:

NM_004082.5(DCTN1):c.2543C>T (p.Ala848Val)

Gene: DCTN1 (dynactin subunit 1; minus strand). Cytogenetic location: 2p13.1.
Variant type: single nucleotide variant.
Coding change: c.2543C>T on transcript NM_004082.5 (MANE Select); coding-DNA position 2543, C replaced by T.
Protein change: p.Ala848Val; replaces alanine 848 with valine.
Molecular consequence: missense variant. On other transcripts: non-coding transcript variant (1).
Genome position (GRCh38, 1-based): chr2:74,366,544, G>A on the plus strand (C>T on the coding strand, the complement: DCTN1 is on the minus strand). VCF-style: chr2-74366544-G-A. GRCh37 (hg19) VCF-style: chr2-74593671-G-A.
Other names: c.2483C>T, p.Ala828Val (NM_001135040.3); c.2141C>T, p.Ala714Val (NM_001135041.3, NM_023019.4); c.2432C>T, p.Ala811Val (NM_001190836.2); c.2522C>T, p.Ala841Val (NM_001190837.2); c.2492C>T, p.Ala831Val (NM_001378991.1); c.2474C>T, p.Ala825Val (NM_001378992.1); short protein forms A825V, A831V, A848V, A811V, A828V, A714V, A841V.
Identifiers: ClinVar variation 4987736 (VCV004987736.1).

ClinVar aggregate classification (germline): Uncertain significance (1 of 4 stars; one submission).

Conditions:
DCTN1-related disorder. Also called: DCTN1-related condition.

gnomAD v4.1: 11 of 1,614,014 alleles (0.00068%); highest among the groups gnomAD compares: Non-Finnish European, 0.00093%; no homozygotes.

Submission:

PreventionGenetics, part of Exact Sciences
Classification: Uncertain significance for DCTN1-related condition. Last evaluated: 2026-03-11. Review status: criteria provided, single submitter. Criteria: ACMG Guidelines, 2015. Collection method: clinical testing. Allele origin: germline.
Comment: The DCTN1 c.2543C>T variant is predicted to result in the amino acid substitution p.Ala848Val. To our knowledge, this variant has not been reported in the literature or in a large population database (gnomAD), indicating this variant is rare. At this time, the clinical significance of this variant is uncertain due to the absence of conclusive functional and genetic evidence.